The following is an entry in ClinVar:

ClinVar aggregate classification (germline): Conflicting classifications of pathogenicity. Review status: criteria provided, conflicting classifications (1 of 4 stars). 2 submissions from 2 submitters: Likely pathogenic (1); Uncertain significance (1). Last evaluated 2025-07-16.

Conditions:
3M syndrome 3. Also called: THREE M SYNDROME 3; 3-M Syndrome, CCDC8-Related. Identifiers: Orphanet 2616, MedGen C3280146, MONDO:0013627, OMIM 614205.

Allele frequency attached by ClinVar (database versions not stated): gnomAD 0.00001; gnomAD exomes 0.00001; TOPMed 0.00003; 1000 Genomes Project 30x 0.00016; 1000 Genomes Project 0.00020.

Submissions (2):

Women's Health and Genetics/Laboratory Corporation of America, LabCorp
Classification: Uncertain significance. Last evaluated: 2025-07-16. Review status: criteria provided, single submitter. Criteria: LabCorp Variant Classification Summary - May 2015. Collection method: clinical testing. Allele origin: germline.
Comment: Variant summary: CCDC8 c.1027C>T (p.Gln343X) results in a premature termination codon, predicted to cause a truncation of the encoded protein or absence of the protein due to nonsense mediated decay, however current evidence is not sufficient to establish loss of function as a mechanism for disease. The variant allele was found at a frequency of 2e-05 in 251464 control chromosomes. The available data on variant occurrences in the general population are insufficient to allow any conclusion about variant significance. To our knowledge, no occurrence of c.1027C>T in individuals affected with Three M Syndrome 3 and no experimental evidence demonstrating its impact on protein function have been reported. ClinVar contains an entry for this variant (Variation ID: 2429294). Based on the evidence outlined above, the variant was classified as uncertain significance.

Fulgent Genetics
Classification: Likely pathogenic for 3M syndrome 3. Last evaluated: 2024-02-02. Review status: criteria provided, single submitter. Criteria: ACMG Guidelines, 2015. Collection method: clinical testing. Allele origin: germline.

NM_032040.5(CCDC8):c.1027C>T (p.Gln343Ter)

Gene: CCDC8 (coiled-coil domain containing 8 subunit of 3M complex; minus strand). Cytogenetic location: 19q13.32.
Variant type: single nucleotide variant.
Coding change: c.1027C>T on transcript NM_032040.5 (MANE Select); coding-DNA position 1027, C replaced by T.
Protein change: p.Gln343Ter; replaces glutamine 343 with a stop codon.
Molecular consequence: nonsense.
Genome position (GRCh38, 1-based): chr19:46,411,784, G>A on the plus strand (C>T on the coding strand, the complement: CCDC8 is on the minus strand). VCF-style: chr19-46411784-G-A. GRCh37 (hg19) VCF-style: chr19-46915041-G-A.
Other names: short protein forms Q343*.
Identifiers: ClinVar variation 2429294 (VCV002429294.5), dbSNP rs559473497, ClinGen allele CA309063326.